The following is an entry in ClinVar:

ClinVar aggregate classification (germline): Conflicting classifications of pathogenicity. Review status: criteria provided, conflicting classifications (1 of 4 stars). 5 submissions from 5 submitters: Uncertain significance (2); Benign (1); Likely benign (2). Last evaluated 2024-08-07.

Conditions:
Dilated cardiomyopathy 1D. Identifiers: Orphanet 154, Orphanet 54260, MedGen C1832243, MONDO:0011095, OMIM 601494.
Cardiomyopathy, familial restrictive, 3. Identifiers: Orphanet 75249, MedGen C2676271, MONDO:0012900, OMIM 612422.
Hypertrophic cardiomyopathy 2. Also called: TNNT2-Related Familial Hypertrophic Cardiomyopathy. Identifiers: MedGen C1861864, MONDO:0007266, OMIM 115195.
Cardiomyopathy (CMYO). Also called: Cardiomyopathies. Identifiers: Orphanet 167848, MedGen C0878544, MONDO:0004994, HP:0001638. Inheritance: Various modes of inheritance.
Hypertrophic cardiomyopathy 7. Also called: TNNI3-Related Familial Hypertrophic Cardiomyopathy; Familial hypertrophic cardiomyopathy 7; CARDIOMYOPATHY, FAMILIAL HYPERTROPHIC, 7, MODIFIER OF. Identifiers: MedGen C1860752, MONDO:0013369, OMIM 613690.

Allele frequency attached by ClinVar (database versions not stated): ExAC 0.00001; TOPMed 0.00001.
gnomAD v4.1: 1 of 1,610,542 alleles (0.000062%); highest among the groups gnomAD compares: Non-Finnish European, 0.000085%; no homozygotes.

Submissions (5):

KardioGenetik, Herz- und Diabeteszentrum NRW
Classification: Uncertain significance for Hypertrophic cardiomyopathy 7. Last evaluated: 2024-08-07. Review status: criteria provided, single submitter. Criteria: ACMG Guidelines, 2015. Collection method: clinical testing. Allele origin: unknown. Affected: yes. Observed: 1 variant allele.
Comment: PM2, BP4

All of Us Research Program, National Institutes of Health
Classification: Likely benign for Cardiomyopathy. Last evaluated: 2023-08-15. Review status: criteria provided, single submitter. Criteria: ACMG Guidelines, 2015. Collection method: clinical testing. Allele origin: germline. Inheritance: Autosomal dominant inheritance. Observed: 2 variant alleles, 2 heterozygotes.
Comment: This study involves interpretation of variants in research participants for the purpose of population health screening. Participant phenotype was not available at the time of variant classification. Additional details can be found in publication PMID: 35346344, PMCID: PMC8962531

Labcorp Genetics (formerly Invitae), Labcorp
Classification: Uncertain significance for Cardiomyopathy, familial restrictive, 3; Hypertrophic cardiomyopathy 2; Dilated cardiomyopathy 1D. Last evaluated: 2022-10-20. Review status: criteria provided, single submitter. Criteria: Invitae Variant Classification Sherloc (09022015). Collection method: clinical testing. Allele origin: germline.
Comment: This sequence change falls in intron 15 of the TNNT2 gene. It does not directly change the encoded amino acid sequence of the TNNT2 protein. It affects a nucleotide within the consensus splice site. This variant is not present in population databases (gnomAD no frequency). This variant has not been reported in the literature in individuals affected with TNNT2-related conditions. ClinVar contains an entry for this variant (Variation ID: 807896). Variants that disrupt the consensus splice site are a relatively common cause of aberrant splicing (PMID: 17576681, 9536098). Algorithms developed to predict the effect of sequence changes on RNA splicing suggest that this variant is not likely to affect RNA splicing. In summary, the available evidence is currently insufficient to determine the role of this variant in disease. Therefore, it has been classified as a Variant of Uncertain Significance.

Color Diagnostics, LLC DBA Color Health
Classification: Likely benign for Cardiomyopathy. Last evaluated: 2019-08-26. Review status: criteria provided, single submitter. Criteria: ACMG Guidelines, 2015. Collection method: clinical testing. Allele origin: germline.

GeneDx
Classification: Benign. Last evaluated: 2015-03-03. Review status: criteria provided, single submitter. Criteria: GeneDx Variant Classification Process June 2021. Collection method: clinical testing. Allele origin: germline. Affected: yes.

Literature cited by the submitters: PubMed 17576681 (cited by Labcorp Genetics (formerly Invitae), Labcorp); PubMed 9536098 (cited by Labcorp Genetics (formerly Invitae), Labcorp).

NM_001276345.2(TNNT2):c.852-3C>T

Gene: TNNT2 (troponin T2, cardiac type; minus strand). Cytogenetic location: 1q32.1.
Variant type: single nucleotide variant.
Coding change: c.852-3C>T on transcript NM_001276345.2 (MANE Select); 3 bases into the intron before coding-DNA position 852, C replaced by T.
Molecular consequence: intron variant.
Genome position (GRCh38, 1-based): chr1:201,359,258, G>A on the plus strand (C>T on the coding strand, the complement: TNNT2 is on the minus strand). VCF-style: chr1-201359258-G-A. GRCh37 (hg19) VCF-style: chr1-201328386-G-A.
Other names: c.804-3C>T (NM_001001432.3); c.813-3C>T (NM_001001431.3); c.822-3C>T (NM_001001430.3, NM_001276347.2); c.723-3C>T (NM_001276346.2); c.843-3C>T (NM_000364.4).
Identifiers: ClinVar variation 807896 (VCV000807896.23), dbSNP rs749454768, ClinGen allele CA089226.
Genomic context (GRCh38, chr1:201,359,258, plus strand): 5'-GGAGGCCAGGCTCTATTTCCAGCGCCCGGTGACTTTAGCCTTCCCGCGGGTCTTGGAGCT[G>A]CAGGGGAAGCAGGACGCAGTGACATGGAGACACAGGCAGGGTAGTAGGTCACCATGCGGC-3'